The following is an entry in ClinVar:

ClinVar aggregate classification (germline): Likely benign. Review status: criteria provided, multiple submitters, no conflicts (2 of 4 stars). 4 submissions from 4 submitters: Likely benign (4). Last evaluated 2024-08-28.

Conditions:
Cardiovascular phenotype. Identifiers: MedGen CN230736.
Catecholaminergic polymorphic ventricular tachycardia 1. Also called: VENTRICULAR TACHYCARDIA, STRESS-INDUCED POLYMORPHIC 1; VENTRICULAR TACHYCARDIA, CATECHOLAMINERGIC POLYMORPHIC, 1, WITH OR WITHOUT ATRIAL DYSFUNCTION AND/OR DILATED CARDIOMYOPATHY; RYR2-Related Catecholaminergic Polymorphic Ventricular Tachycardia. Identifiers: Orphanet 3286, MedGen C1631597, MONDO:0011484, OMIM 604772.

Allele frequency attached by ClinVar (database versions not stated): TOPMed 0.00003; gnomAD 0.00006.
gnomAD v4.1: 7 of 1,608,908 alleles (0.00044%); highest among the groups gnomAD compares: Middle Eastern, 0.016%; no homozygotes.

Submissions (4):

Labcorp Genetics (formerly Invitae), Labcorp
Classification: Likely benign for Catecholaminergic polymorphic ventricular tachycardia 1. Last evaluated: 2024-08-28. Review status: criteria provided, single submitter. Criteria: Invitae Variant Classification Sherloc (09022015). Collection method: clinical testing. Allele origin: germline.

Ambry Genetics
Classification: Likely benign for Cardiovascular phenotype. Last evaluated: 2022-03-08. Review status: criteria provided, single submitter. Criteria: Ambry Variant Classification Scheme 2023. Collection method: clinical testing. Allele origin: germline.

GeneDx
Classification: Likely benign. Last evaluated: 2017-03-16. Review status: criteria provided, single submitter. Criteria: GeneDx Variant Classification (06012015). Collection method: clinical testing. Allele origin: germline. Affected: yes.
Comment: This variant is considered likely benign or benign based on one or more of the following criteria: it is a conservative change, it occurs at a poorly conserved position in the protein, it is predicted to be benign by multiple in silico algorithms, and/or has population frequency not consistent with disease.

Laboratory for Molecular Medicine, Mass General Brigham Personalized Medicine
Classification: Likely benign. Last evaluated: 2012-02-09. Review status: criteria provided, single submitter. Criteria: LMM Criteria. Collection method: clinical testing. Allele origin: germline. Observed: 1 variant allele.
Comment: Leu4402Leu in exon 90 of RYR2: This variant is not expected to have clinical sig nificance because it does not alter an amino acid residue and is not located wit hin the splice consensus sequence. Leu4402Leu in exon 90 of RYR2 (allele freque ncy = n/a)

Literature cited by the submitters: PubMed 24503780 (cited by Ambry Genetics).

NM_001035.3(RYR2):c.13206C>T (p.Leu4402=)

Genes: RYR2 (ryanodine receptor 2; plus strand), LOC126806068 (BRD4-independent group 4 enhancer GRCh37_chr1:237947411-237948610; plus strand). Cytogenetic location: 1q43.
Variant type: single nucleotide variant.
Coding change: c.13206C>T on transcript NM_001035.3 (MANE Select); coding-DNA position 13206, C replaced by T.
Protein change: p.Leu4402=; no amino-acid change (leucine 4402 retained).
Molecular consequence: synonymous variant.
Genome position (GRCh38, 1-based): chr1:237,784,918, C>T. VCF-style: chr1-237784918-C-T. GRCh37 (hg19) VCF-style: chr1-237948218-C-T.
Identifiers: ClinVar variation 43724 (VCV000043724.19), dbSNP rs397516509, ClinGen allele CA007836.
Genomic context (GRCh38, chr1:237,784,918, plus strand): 5'-GGATCTGAAGAGAGAAGGAGGACAGTACAAACTGATTCCTCATAATCCAAATGCTGGGCT[C>T]AGTGACCTCATGAGCAACCCAGTCCCCATGCCTGAGGTGCAGGAAAAATTTCAGGTAATT-3'
Protein context (NP_001026.2, residues 4392-4412): KLIPHNPNAG[Leu4402=]SDLMSNPVPM